The following is an entry in ClinVar:

ClinVar aggregate classification (germline): Uncertain significance. Review status: criteria provided, multiple submitters, no conflicts (2 of 4 stars). 2 submissions from 2 submitters: Uncertain significance (2). Last evaluated 2022-08-20.

Allele frequency attached by ClinVar (database versions not stated): gnomAD exomes below 0.00001.
gnomAD v4.1: 1 of 1,613,054 alleles (0.000062%); highest among the groups gnomAD compares: Non-Finnish European, 0.000085%; no homozygotes.

Submissions (2):

Labcorp Genetics (formerly Invitae), Labcorp
Classification: Uncertain significance. Last evaluated: 2022-08-20. Review status: criteria provided, single submitter. Criteria: Invitae Variant Classification Sherloc (09022015). Collection method: clinical testing. Allele origin: germline.
Comment: This sequence change replaces aspartic acid, which is acidic and polar, with glycine, which is neutral and non-polar, at codon 354 of the P3H2 protein (p.Asp354Gly). This variant is not present in population databases (gnomAD no frequency). This variant has not been reported in the literature in individuals affected with P3H2-related conditions. Algorithms developed to predict the effect of missense changes on protein structure and function (SIFT, PolyPhen-2, Align-GVGD) all suggest that this variant is likely to be tolerated. In summary, the available evidence is currently insufficient to determine the role of this variant in disease. Therefore, it has been classified as a Variant of Uncertain Significance.

Blueprint Genetics
Classification: Uncertain significance. Last evaluated: 2018-12-21. Review status: criteria provided, single submitter. Criteria: ACMG Guidelines, 2015. Collection method: clinical testing. Allele origin: germline.

NM_018192.4(P3H2):c.1061A>G (p.Asp354Gly)

Gene: P3H2 (prolyl 3-hydroxylase 2; minus strand). Cytogenetic location: 3q28.
Variant type: single nucleotide variant.
Coding change: c.1061A>G on transcript NM_018192.4 (MANE Select); coding-DNA position 1061, A replaced by G.
Protein change: p.Asp354Gly; replaces aspartic acid 354 with glycine.
Molecular consequence: missense variant.
Genome position (GRCh38, 1-based): chr3:189,987,564, T>C on the plus strand (A>G on the coding strand, the complement: P3H2 is on the minus strand). VCF-style: chr3-189987564-T-C. GRCh37 (hg19) VCF-style: chr3-189705353-T-C.
Other names: c.518A>G, p.Asp173Gly (NM_001134418.2); short protein forms D173G, D354G.
Identifiers: ClinVar variation 1714730 (VCV001714730.6), dbSNP rs2473819448, ClinGen allele CA355757670.